The following is an entry in ClinVar:

ClinVar aggregate classification (germline): Uncertain significance. Review status: criteria provided, multiple submitters, no conflicts (2 of 4 stars). 3 submissions from 3 submitters: Uncertain significance (3). Last evaluated 2024-05-10.

Conditions:
Charcot-Marie-Tooth disease type 4A. Also called: Charcot-Marie-Tooth disease, demyelinating, autosomal recessive, type 4a. Identifiers: Orphanet 99948, MedGen C1859198, MONDO:0008961, OMIM 214400.
Inborn genetic diseases. Identifiers: MedGen C0950123, MeSH D030342.

gnomAD v4.1: 1 of 1,610,942 alleles (0.000062%); highest among the groups gnomAD compares: East Asian, 0.0022%; no homozygotes.

Submissions (3):

Labcorp Genetics (formerly Invitae), Labcorp
Classification: Uncertain significance for Charcot-Marie-Tooth disease type 4A. Last evaluated: 2024-05-10. Review status: criteria provided, single submitter. Criteria: Invitae Variant Classification Sherloc (09022015). Collection method: clinical testing. Allele origin: germline.
Comment: This sequence change replaces glutamic acid, which is acidic and polar, with glycine, which is neutral and non-polar, at codon 104 of the GDAP1 protein (p.Glu104Gly). This variant is not present in population databases (gnomAD no frequency). This variant has not been reported in the literature in individuals affected with GDAP1-related conditions. An algorithm developed to predict the effect of missense changes on protein structure and function (PolyPhen-2) suggests that this variant is likely to be disruptive. In summary, the available evidence is currently insufficient to determine the role of this variant in disease. Therefore, it has been classified as a Variant of Uncertain Significance.

Ambry Genetics
Classification: Uncertain significance for Inborn genetic diseases. Last evaluated: 2024-05-02. Review status: criteria provided, single submitter. Criteria: Ambry Variant Classification Scheme 2023. Collection method: clinical testing. Allele origin: germline.

Blueprint Genetics
Classification: Uncertain significance. Last evaluated: 2020-10-26. Review status: criteria provided, single submitter. Criteria: ACMG Guidelines, 2015. Collection method: clinical testing. Allele origin: germline.

NM_018972.4(GDAP1):c.311A>G (p.Glu104Gly)

Gene: GDAP1 (ganglioside induced differentiation associated protein 1; plus strand). Cytogenetic location: 8q21.11.
Variant type: single nucleotide variant.
Coding change: c.311A>G on transcript NM_018972.4 (MANE Select); coding-DNA position 311, A replaced by G.
Protein change: p.Glu104Gly; replaces glutamic acid 104 with glycine.
Molecular consequence: missense variant. On other transcripts: 5 prime UTR variant (2), intron variant (1).
Genome position (GRCh38, 1-based): chr8:74,360,137, A>G. VCF-style: chr8-74360137-A-G. GRCh37 (hg19) VCF-style: chr8-75272372-A-G.
Other names: c.107A>G, p.Glu36Gly (NM_001040875.4); c.-17A>G (NM_001362929.2, NM_001362932.2); c.311A>G, p.Glu104Gly (NM_001362931.2); c.311-1747A>G (NM_001362930.2); short protein forms E36G, E104G.
Identifiers: ClinVar variation 3281097 (VCV003281097.4).